The following is an entry in ClinVar:

ClinVar aggregate classification (germline): Benign/Likely benign. Review status: criteria provided, multiple submitters, no conflicts (2 of 4 stars). 6 submissions from 6 submitters: Benign (1); Likely benign (5). Last evaluated 2026-03-01.

Conditions:
Ulnar-mammary syndrome (UMS). Also called: PALLISTER ULNAR-MAMMARY SYNDROME; SCHINZEL SYNDROME; Ulnar-mammary syndrome of Pallister. Identifiers: Orphanet 3138, MedGen C1866994, MONDO:0008411, OMIM 181450.

Allele frequency attached by ClinVar (database versions not stated): gnomAD exomes 0.00012 and 0.00028; ExAC 0.00048; 1000 Genomes Project 30x 0.00078; ESP Exome Variant Server 0.00085; 1000 Genomes Project 0.00100; gnomAD 0.00125 and 0.00135; TOPMed 0.00139.
gnomAD v4.1: 375 of 1,587,530 alleles (0.024%); highest among the groups gnomAD compares: African/African-American, 0.43%; 1 homozygote.

Submissions (6):

CeGaT Center for Human Genetics Tuebingen
Classification: Likely benign. Last evaluated: 2026-03-01. Review status: criteria provided, single submitter. Criteria: CeGaT Center For Human Genetics Tuebingen Variant Classification Criteria Version 2. Collection method: clinical testing. Allele origin: germline. Affected: yes. Observed: 1 variant allele.
Comment: TBX3: BP4, BP7

Labcorp Genetics (formerly Invitae), Labcorp
Classification: Benign for Ulnar-mammary syndrome. Last evaluated: 2026-01-06. Review status: criteria provided, single submitter. Criteria: Invitae Variant Classification Sherloc (09022015). Collection method: clinical testing. Allele origin: germline.

Blueprint Genetics
Classification: Likely benign. Last evaluated: 2024-06-05. Review status: criteria provided, single submitter. Criteria: ACMG Guidelines, 2015. Collection method: clinical testing. Allele origin: germline.

Eurofins Ntd Llc (ga)
Classification: Likely benign. Last evaluated: 2017-04-19. Review status: criteria provided, single submitter. Criteria: EGL Classification Definitions 2015. Collection method: clinical testing. Allele origin: germline. Observed: 1 variant allele, 1 heterozygote.

Breakthrough Genomics
Classification: Likely benign. Review status: criteria provided, single submitter. Criteria: ACMG Guidelines, 2015. Collection method: not provided. Allele origin: germline. Inheritance: Autosomal dominant inheritance. Affected: yes.

PreventionGenetics, part of Exact Sciences
Classification: Likely benign. Review status: criteria provided, single submitter. Criteria: ACMG Guidelines, 2015. Collection method: clinical testing. Allele origin: germline.

NM_005996.4(TBX3):c.1095T>C (p.His365=)

Gene: TBX3 (T-box transcription factor 3; minus strand). Cytogenetic location: 12q24.21.
Variant type: single nucleotide variant.
Coding change: c.1095T>C on transcript NM_005996.4 (MANE Select); coding-DNA position 1095, T replaced by C.
Protein change: p.His365=; no amino-acid change (histidine 365 retained).
Molecular consequence: synonymous variant.
Genome position (GRCh38, 1-based): chr12:114,674,780, A>G on the plus strand (T>C on the coding strand, the complement: TBX3 is on the minus strand). VCF-style: chr12-114674780-A-G. GRCh37 (hg19) VCF-style: chr12-115112585-A-G.
Other names: c.1155T>C, p.His385= (NM_016569.4).
Identifiers: ClinVar variation 260748 (VCV000260748.21), dbSNP rs14175, ClinGen allele CA6810000.